The following is an entry in ClinVar:

NM_000059.4(BRCA2):c.6419del (p.Gly2140fs)

Gene: BRCA2 (BRCA2 DNA repair associated; plus strand). Cytogenetic location: 13q13.1.
Variant type: Deletion.
Coding change: c.6419del on transcript NM_000059.4 (MANE Select); coding-DNA position 6419, one base deleted (G; older notation c.6419delG).
Protein change: p.Gly2140fs; shifts the reading frame from glycine 2140.
Molecular consequence: frameshift variant.
Genome position (GRCh38, 1-based): chr13:32,340,774, G deleted; the last of 2 consecutive G bases (chr13:32,340,773-32,340,774); deleting either gives the same sequence. VCF-style (leftmost placement, unchanged base first): chr13-32340772-AG-A. GRCh37 (hg19) VCF-style: chr13-32914909-AG-A.
Other names: 6646delG 2167X; short protein forms G2140fs.
Identifiers: ClinVar variation 266946 (VCV000266946.13), dbSNP rs886040656, ClinGen allele CA10589376.
Genomic context (GRCh38, chr13:32,340,772, plus strand): 5'-CTCAGAAATGGAAAAAACCTGCAGTAAAGAATTTAAATTATCAAATAACTTAAATGTTGA[AG>A]GTGGTTCTTCAGAAAATAATCACTCTATTAAAGTTTCTCCATATCTCTCTCAATTTCAAC-3'

ClinVar aggregate classification (germline): Pathogenic. Review status: reviewed by expert panel (3 of 4 stars). 3 submissions from 3 submitters: Pathogenic (1). 2 of the submissions do not count toward it. Last evaluated 2016-10-18.

Conditions:
Breast-ovarian cancer, familial, susceptibility to, 2 (BROVCA2). Also called: BRCA2 Hereditary Breast and Ovarian Cancer. Identifiers: Orphanet 145, MedGen C2675520, MONDO:0012933, OMIM 612555. Disease mechanism: loss of function.
Hereditary breast ovarian cancer syndrome. Also called: BRCA1- and BRCA2-Associated Hereditary Breast and Ovarian Cancer; Hereditary breast and ovarian cancer; Breast and ovarian cancer; Hereditary breast and/or ovarian cancer syndrome; Hereditary breast and ovarian cancer syndrome; Hereditary breast and ovarian cancer syndrome (HBOC). Identifiers: Orphanet 145, MedGen C0677776, MeSH D061325, MONDO:0003582. Disease mechanism: loss of function.

Submissions (3):

Evidence-based Network for the Interpretation of Germline Mutant Alleles (ENIGMA)
Classification: Pathogenic for Breast-ovarian cancer, familial, susceptibility to, 2. Last evaluated: 2016-10-18. Review status: reviewed by expert panel. Criteria: ENIGMA BRCA1/2 Classification Criteria (2015). Collection method: curation. Allele origin: germline.
Comment: Variant allele predicted to encode a truncated non-functional protein.

Labcorp Genetics (formerly Invitae), Labcorp
Classification: Pathogenic for Hereditary breast ovarian cancer syndrome. Last evaluated: 2020-12-09. Review status: criteria provided, single submitter. Criteria: Invitae Variant Classification Sherloc (09022015). Collection method: clinical testing. Allele origin: germline. Not counted in ClinVar's aggregate classification.
Comment: This sequence change creates a premature translational stop signal (p.Gly2140Valfs*28) in the BRCA2 gene. It is expected to result in an absent or disrupted protein product. Loss-of-function variants in BRCA2 are known to be pathogenic (PMID: 20104584). This variant is not present in population databases (ExAC no frequency). This variant has been observed in individual(s) with breast cancer (PMID: 25151137). ClinVar contains an entry for this variant (Variation ID: 266946). For these reasons, this variant has been classified as Pathogenic.

Consortium of Investigators of Modifiers of BRCA1/2 (CIMBA), c/o University of Cambridge
Classification: Pathogenic for Breast-ovarian cancer, familial, susceptibility to, 2. Last evaluated: 2015-10-02. Review status: criteria provided, single submitter. Criteria: CIMBA Mutation Classification guidelines May 2016. Collection method: clinical testing. Allele origin: germline. Not counted in ClinVar's aggregate classification.

Literature cited by the submitters: PubMed 20104584 (cited by Labcorp Genetics (formerly Invitae), Labcorp); PubMed 25151137 (cited by Labcorp Genetics (formerly Invitae), Labcorp).